The following is an entry in ClinVar:

NM_002294.3(LAMP2):c.-26_-15dup

Gene: LAMP2 (lysosome associated membrane protein 2; minus strand). Cytogenetic location: Xq24.
Variant type: Duplication.
Coding change: c.-26_-15dup on transcript NM_002294.3 (MANE Select); 26 bases upstream of the start codon through 15 bases upstream of the start codon, 12 bases duplicated (GCCGTCGCCGCC).
Molecular consequence: 5 prime UTR variant.
Genome position (GRCh38, 1-based): chrX:120,469,184-120,469,195, GGCGGCGACGGC duplicated on the plus strand (GCCGTCGCCGCC on the coding strand, the reverse complement: LAMP2 is on the minus strand); duplicating any 12 consecutive bases within chrX:120,469,184-120,469,199 gives the same sequence; the c. name uses the placement nearest the transcript's 3' end. VCF-style (leftmost placement, unchanged base first): chrX-120469183-A-AGGCGGCGACGGC. GRCh37 (hg19) VCF-style: chrX-119603038-A-AGGCGGCGACGGC.
Other names: c.-26_-15dupGCCGTCGCCGCC (NM_001122606.1); c.-26_-15dup (NM_001122606.1, NM_013995.2).
Identifiers: ClinVar variation 180890 (VCV000180890.1), dbSNP rs1556124241, ClinGen allele CA333714.
Genomic context (GRCh38, chrX:120,469,183, plus strand): 5'-AGAACGAGCCCTGAGCCCGGAACCGGGAAGAGGCGGAAGCACACCATGACCCCGCAGAGC[A>AGGCGGCGACGGC]GGCGGCGACGGCGGCGACGGCGGCGGTACAACAACAGCTGCAACACCAGGGAAAAGGCTC-3'

ClinVar aggregate classification (germline): Uncertain significance (1 of 4 stars; one submission).

Conditions:
Danon disease. Also called: PSEUDOGLYCOGENOSIS II; GSD IIb; LYSOSOMAL GLYCOGEN STORAGE DISEASE WITHOUT ACID MALTASE DEFICIENCY; Glycogen Storage Disease Type IIb; ANTOPOL DISEASE. Identifiers: Orphanet 34587, MedGen C0878677, MONDO:0010281, OMIM 300257.
Cardiomyopathy (CMYO). Also called: Cardiomyopathies. Identifiers: Orphanet 167848, MedGen C0878544, MONDO:0004994, HP:0001638. Inheritance: Various modes of inheritance.

Submission:

GeneDx
Classification: Uncertain significance for Dannon Disease; cardiomyopathy. Last evaluated: 2014-10-10. Review status: criteria provided, single submitter. Criteria: GeneDx Variant Classification (06012015). Collection method: clinical testing. Allele origin: germline. Affected: yes.
Comment: c.-26_-15dupGCCGTCGCCGCC in exon 1 of the LAMP2 gene (NM_001122606.1). The c.-26_-15dupGCCGTCGCCGCC variant in the LAMP2 gene has not been reported as a disease-causing mutation or as a benign polymorphism. Several in silico splice prediction algorithms predict this variant does not affect splicing. This variant is located in the 5' untranslated region (UTR) of the LAMP2 gene and a small deletion in this region has been reported previously both as a benign polymorphism and in association with Danon disease. c.-26_-15dupGCCGTCGCCGCC variant was not observed in approximately 6,500 individuals of European and African American ancestry in the NHLBI Exome Sequencing Project, indicating it is not a common benign variant in these populations.Therefore, based on the currently available information, it is unclear whether this variant is a pathogenic mutation or a rare benign variant. The variant is found in CARDIOMYOPATHY,HCM panel(s).